The following is an entry in ClinVar:

NM_018949.3(UTS2R):c.734C>T (p.Ser245Phe)

Gene: UTS2R (urotensin 2 receptor; plus strand). Cytogenetic location: 17q25.3.
Variant type: single nucleotide variant.
Coding change: c.734C>T on transcript NM_018949.3 (MANE Select); coding-DNA position 734, C replaced by T.
Protein change: p.Ser245Phe; replaces serine 245 with phenylalanine.
Molecular consequence: missense variant.
Genome position (GRCh38, 1-based): chr17:82,375,058, C>T. VCF-style: chr17-82375058-C-T. GRCh37 (hg19) VCF-style: chr17-80332934-C-T.
Other names: c.734C>T, p.Ser245Phe (NM_001381897.1); short protein forms S245F.
Identifiers: ClinVar variation 2648495 (VCV002648495.24), dbSNP rs199914220, ClinGen allele CA8856673.

ClinVar aggregate classification (germline): Likely benign (1 of 4 stars; one submission).

Allele frequency attached by ClinVar (database versions not stated): 1000 Genomes Project 0.00060; 1000 Genomes Project 30x 0.00062; gnomAD exomes 0.00084; gnomAD 0.00148; ExAC 0.00213; TOPMed 0.00244.
gnomAD v4.1: 1,414 of 1,421,024 alleles (0.1%); highest among the groups gnomAD compares: Middle Eastern, 1.2%; 11 homozygotes.

Submission:

CeGaT Center for Human Genetics Tuebingen
Classification: Likely benign. Last evaluated: 2023-10-01. Review status: criteria provided, single submitter. Criteria: CeGaT Center For Human Genetics Tuebingen Variant Classification Criteria Version 2. Collection method: clinical testing. Allele origin: germline. Affected: yes. Observed: 1 variant allele.
Comment: UTS2R: BS1